The following is an entry in ClinVar:

ClinVar aggregate classification (germline): Uncertain significance. Review status: criteria provided, multiple submitters, no conflicts (2 of 4 stars). 2 submissions from 2 submitters: Uncertain significance (2). Last evaluated 2025-03-27.

Conditions:
Inborn genetic diseases. Identifiers: MedGen C0950123, MeSH D030342.

Submissions (2):

Ambry Genetics
Classification: Uncertain significance for Inborn genetic diseases. Last evaluated: 2025-03-27. Review status: criteria provided, single submitter. Criteria: Ambry Variant Classification Scheme 2023. Collection method: clinical testing. Allele origin: germline.

GeneDx
Classification: Uncertain significance. Last evaluated: 2025-02-21. Review status: criteria provided, single submitter. Criteria: GeneDx Variant Classification Process June 2021. Collection method: clinical testing. Allele origin: germline. Affected: yes.
Comment: Not observed at significant frequency in large population cohorts (gnomAD); In silico analysis indicates that this missense variant does not alter protein structure/function; Has not been previously published as pathogenic or benign to our knowledge

NM_013450.4(BAZ2B):c.1504A>G (p.Ile502Val)

Gene: BAZ2B (bromodomain adjacent to zinc finger domain 2B; minus strand). Cytogenetic location: 2q24.2.
Variant type: single nucleotide variant.
Coding change: c.1504A>G on transcript NM_013450.4 (MANE Select); coding-DNA position 1504, A replaced by G.
Protein change: p.Ile502Val; replaces isoleucine 502 with valine.
Molecular consequence: missense variant.
Genome position (GRCh38, 1-based): chr2:159,433,153, T>C on the plus strand (A>G on the coding strand, the complement: BAZ2B is on the minus strand). VCF-style: chr2-159433153-T-C. GRCh37 (hg19) VCF-style: chr2-160289664-T-C.
Other names: c.1498A>G, p.Ile500Val (NM_001289975.1); c.1315A>G, p.Ile439Val (NM_001329857.2); c.1504A>G, p.Ile502Val (NM_001329858.2); c.1504A>G (NM_013450.3); short protein forms I439V, I500V, I502V.
Identifiers: ClinVar variation 3989825 (VCV003989825.2).